The following is an entry in ClinVar:

ClinVar aggregate classification (germline): Likely pathogenic (0 of 4 stars; one submission).

Conditions:
Progressive pseudorheumatoid dysplasia (PPRD). Also called: SPONDYLOEPIPHYSEAL DYSPLASIA TARDA WITH PROGRESSIVE ARTHROPATHY; Progressive Pseudorheumatoid Arthropathy of Childhood. Identifiers: Orphanet 1159, MedGen C0432215, MONDO:0008827, OMIM 208230. Disease mechanism: loss of function.

gnomAD v4.1: 1 of 1,614,206 alleles (0.000062%); highest among the groups gnomAD compares: South Asian, 0.0011%; no homozygotes.

Submission:

Genetics laboratory, Institute of Kidney Diseases & Research Centre Dr. H.L. Trivedi Institute Of Transplantation Sciences
Classification: Likely pathogenic for Progressive pseudorheumatoid dysplasia. Last evaluated: 2024-04-01. Review status: no assertion criteria provided. Collection method: clinical testing. Allele origin: germline. Inheritance: Autosomal recessive inheritance. Affected: yes. Observed: 1 variant allele, 1 homozygote.
Comment: A homozygous missense variant c.298T>A in CCN6 gene (chr6:112382443; Depth:140x) was detected. The variant replaces cystine with serine at the 100th amino acid position. This variant is not observed in 1000 genomes, topmed and gnomAD database. In silico predictions suggests the variant to be damaging by MutationTaster, SIFT, CADD and REVEL. The variant lies in the CCN6_HUMAN domain 'IGFBP N-terminal' according to UniProt which consists of 30 missense/ in-frame variants according to the UniProt database. Based on the aforementioned evidence, the variant is classified as likely pathogenic based on the ACMG-AMP classification system.

NM_198239.2(CCN6):c.298T>A (p.Cys100Ser)

Gene: CCN6 (cellular communication network factor 6; plus strand). Cytogenetic location: 6q21.
Variant type: single nucleotide variant.
Coding change: c.298T>A on transcript NM_198239.2 (MANE Select); coding-DNA position 298, T replaced by A.
Protein change: p.Cys100Ser; replaces cysteine 100 with serine.
Molecular consequence: missense variant. On other transcripts: non-coding transcript variant (2).
Genome position (GRCh38, 1-based): chr6:112,061,240, T>A. VCF-style: chr6-112061240-T-A. GRCh37 (hg19) VCF-style: chr6-112382443-T-A.
Other names: c.298T>A, p.Cys100Ser (NM_003880.4); short protein forms C100S.
Identifiers: ClinVar variation 3385337 (VCV003385337.1).